The following is an entry in ClinVar:

NM_002421.4(MMP1):c.1005C>T (p.Ala335=)

Gene: MMP1 (matrix metallopeptidase 1; minus strand). Cytogenetic location: 11q22.2.
Variant type: single nucleotide variant.
Coding change: c.1005C>T on transcript NM_002421.4 (MANE Select); coding-DNA position 1005, C replaced by T.
Protein change: p.Ala335=; no amino-acid change (alanine 335 retained).
Molecular consequence: synonymous variant.
Genome position (GRCh38, 1-based): chr11:102,792,633, G>A on the plus strand (C>T on the coding strand, the complement: MMP1 is on the minus strand). VCF-style: chr11-102792633-G-A. GRCh37 (hg19) VCF-style: chr11-102663364-G-A.
Other names: c.807C>T, p.Ala269= (NM_001145938.2).
Identifiers: ClinVar variation 4533929 (VCV004533929.6).
Genomic context (GRCh38, chr11:102,792,633, plus strand): 5'-TTAAAGCAGTGAAAAATAATTAGAAAGATTACCTTTGAAAAACCGGACTTCATCTCTGTC[G>A]GCAAATTCGTAAGCAGCTTCAAGCCCATTTGGCAGTTGTGGCCAGAAAACAGAAATGAAA-3'
Protein context (NP_002412.1, residues 325-345): PNGLEAAYEF[Ala335=]DRDEVRFFKG

ClinVar aggregate classification (germline): Likely benign (1 of 4 stars; one submission).

gnomAD v4.1: 31 of 1,613,638 alleles (0.0019%); highest among the groups gnomAD compares: South Asian, 0.026%; 1 homozygote.

Submission:

CeGaT Center for Human Genetics Tuebingen
Classification: Likely benign. Last evaluated: 2025-11-01. Review status: criteria provided, single submitter. Criteria: CeGaT Center For Human Genetics Tuebingen Variant Classification Criteria Version 2. Collection method: clinical testing. Allele origin: germline. Affected: yes. Observed: 1 variant allele.
Comment: MMP1: BP4, BP7